The following is an entry in ClinVar:

ClinVar aggregate classification (germline): Uncertain significance (1 of 4 stars; one submission).

Conditions:
Yoon-Bellen neurodevelopmental syndrome (YOBELN). Identifiers: MedGen C5562066, MONDO:0859221, OMIM 619701.

Submission:

Clinical Genomics Laboratory, Washington University in St. Louis
Classification: Uncertain significance for Yoon-Bellen neurodevelopmental syndrome. Last evaluated: 2025-04-29. Review status: criteria provided, single submitter. Criteria: ACMG Guidelines, 2015. Collection method: clinical testing. Allele origin: germline.
Comment: The OGDHL c.2150T>G (p.Leu717Arg) variant, to our knowledge, has not been reported in the medical literature. This variant is absent from the general population (gnomAD v2.1.1), indicating it is not a common variant. Computational predictors indicate that the variant is damaging, evidence that correlates with impact on OGDHL function. Due to limited information, and based on ACMG/AMP guidelines for variant interpretation (Richards S et al., PMID: 25741868), the clinical significance of this variant is uncertain at this time.

NM_018245.3(OGDHL):c.2150T>G (p.Leu717Arg)

Gene: OGDHL (oxoglutarate dehydrogenase L; minus strand). Cytogenetic location: 10q11.23.
Variant type: single nucleotide variant.
Coding change: c.2150T>G on transcript NM_018245.3 (MANE Select); coding-DNA position 2150, T replaced by G.
Protein change: p.Leu717Arg; replaces leucine 717 with arginine.
Molecular consequence: missense variant. On other transcripts: non-coding transcript variant (5).
Genome position (GRCh38, 1-based): chr10:49,739,830, A>C on the plus strand (T>G on the coding strand, the complement: OGDHL is on the minus strand). VCF-style: chr10-49739830-A-C. GRCh37 (hg19) VCF-style: chr10-50947876-A-C.
Other names: c.1979T>G, p.Leu660Arg (NM_001143996.2, NM_001347820.1); c.1523T>G, p.Leu508Arg (NM_001143997.2, NM_001347821.2, NM_001347822.1); c.2150T>G, p.Leu717Arg (NM_001347819.1); c.1970T>G, p.Leu657Arg (NM_001347823.1, NM_001347824.2); c.1343T>G, p.Leu448Arg (NM_001347825.2); c.953T>G, p.Leu318Arg (NM_001347826.1); short protein forms L318R, L448R, L508R, L657R, L660R, L717R.
Identifiers: ClinVar variation 4279772 (VCV004279772.1).
Genomic context (GRCh38, chr10:49,739,830, plus strand): 5'-AAGTCCCCAAACTGGGCCTCCCAGAGGACCAGGGCATTGGGGCTGGCCATGGCATAGCCC[A>C]GCTCAAAGCCTAAACAGAAGACAAGATAGAGCTTGCTGCACACAGTCACCAAGTGGCAGT-3'
Protein context (NP_060715.2, residues 707-727): LSEYGVLGFE[Leu717Arg]GYAMASPNAL